The following is an entry in ClinVar:

ClinVar aggregate classification (germline): Pathogenic (1 of 4 stars; one submission).

Conditions:
Rhabdoid tumor predisposition syndrome 2 (RTPS2). Identifiers: Orphanet 231108, Orphanet 69077, MedGen C2750074, MONDO:0013224, OMIM 613325.

Submission:

Labcorp Genetics (formerly Invitae), Labcorp
Classification: Pathogenic for Rhabdoid tumor predisposition syndrome 2. Last evaluated: 2022-03-21. Review status: criteria provided, single submitter. Criteria: Invitae Variant Classification Sherloc (09022015). Collection method: clinical testing. Allele origin: germline.
Comment: For these reasons, this variant has been classified as Pathogenic. This variant has not been reported in the literature in individuals affected with SMARCA4-related conditions. This variant is not present in population databases (gnomAD no frequency). This sequence change creates a premature translational stop signal (p.Glu1242Glyfs*49) in the SMARCA4 gene. It is expected to result in an absent or disrupted protein product. Loss-of-function variants in SMARCA4 are known to be pathogenic (PMID: 24658001, 24658002).

Literature cited by the submitters: PubMed 24658001; PubMed 24658002.

NM_003072.5(SMARCA4):c.3725del (p.Glu1242fs)

Gene: SMARCA4 (SWI/SNF related BAF chromatin remodeling complex subunit ATPase 4; plus strand). Cytogenetic location: 19p13.2.
Variant type: Deletion.
Coding change: c.3725del on transcript NM_003072.5 (MANE Select); coding-DNA position 3725, one base deleted (A; older notation c.3725delA).
Protein change: p.Glu1242fs; shifts the reading frame from glutamic acid 1242.
Molecular consequence: frameshift variant. On other transcripts: non-coding transcript variant (1).
Genome position (GRCh38, 1-based): chr19:11,033,468, A deleted. VCF-style (leftmost placement, unchanged base first): chr19-11033467-GA-G. GRCh37 (hg19) VCF-style: chr19-11144143-GA-G.
Other names: c.3725del, p.Glu1242fs (NM_001128844.3, NM_001128845.2, NM_001128846.2 and 5 more transcripts); c.3725delA, p.Glu1242Glyfs (NM_001411150.1); short protein forms E1242fs.
Identifiers: ClinVar variation 2115500 (VCV002115500.4), dbSNP rs2515285700, ClinGen allele CA2580096287.
Genomic context (GRCh38, chr19:11,033,467, plus strand): 5'-CTCAACGTGGACCAGAAGGTGATCCAGGCCGGCATGTTCGACCAGAAGTCCTCCAGCCAT[GA>G]GCGGCGCGCCTTCCTGCAGGCCATCCTGGAGCACGAGGAGCAGGATGAGGTGAGCCCAGC-3'